The following is an entry in ClinVar:

ClinVar aggregate classification (germline): Likely benign (1 of 4 stars; one submission).

Conditions:
BRSK2-related disorder. Also called: BRSK2-related condition; BRSK2-Related Disorders.

gnomAD v4.1: 128 of 1,608,114 alleles (0.008%); highest among the groups gnomAD compares: Non-Finnish European, 0.0096%; no homozygotes.

Submission:

PreventionGenetics, part of Exact Sciences
Classification: Likely benign for BRSK2-related condition. Last evaluated: 2026-06-19. Review status: criteria provided, single submitter. Criteria: ACMG Guidelines, 2015. Collection method: clinical testing. Allele origin: germline.
Comment: This variant is classified as likely benign based on ACMG/AMP sequence variant interpretation guidelines (Richards et al. 2015 PMID: 25741868, with internal and published modifications).

NM_001256627.2(BRSK2):c.579C>T (p.Asp193=)

Gene: BRSK2 (BR serine/threonine kinase 2; plus strand). Cytogenetic location: 11p15.5.
Variant type: single nucleotide variant.
Coding change: c.579C>T on transcript NM_001256627.2 (MANE Select); coding-DNA position 579, C replaced by T.
Protein change: p.Asp193=; no amino-acid change (aspartic acid 193 retained).
Molecular consequence: synonymous variant. On other transcripts: non-coding transcript variant (1).
Genome position (GRCh38, 1-based): chr11:1,443,349, C>T. VCF-style: chr11-1443349-C-T. GRCh37 (hg19) VCF-style: chr11-1464579-C-T.
Other names: c.579C>T, p.Asp193= (NM_001256629.2, NM_001440665.1, NM_001440666.1 and 3 more transcripts); c.717C>T, p.Asp239= (NM_001256630.1, NM_001440667.1); c.399C>T, p.Asp133= (NM_001282218.2, NM_001440669.1, NM_001440671.1 and 5 more transcripts).
Identifiers: ClinVar variation 4978904 (VCV004978904.1).
Genomic context (GRCh38, chr11:1,443,349, plus strand): 5'-CGCCCTGCCCTGCGCCCCCCAACAGCCCGGGCACTGCTGTCCACAGGGGGAGAAGTATGA[C>T]GGCCGGAAGGCGGACGTGTGGAGCTGCGGCGTCATCCTGTTCGCCTTGCTGGTGGTGAGA-3'
Protein context (NP_001243556.1, residues 183-203): CPEVIRGEKY[Asp193=]GRKADVWSCG